The following is an entry in ClinVar:

ClinVar aggregate classification (germline): Benign/Likely benign. Review status: criteria provided, multiple submitters, no conflicts (2 of 4 stars). 3 submissions from 3 submitters: Benign (2); Likely benign (1). Last evaluated 2023-03-01.

Allele frequency attached by ClinVar (database versions not stated): 1000 Genomes Project 30x 0.00375; 1000 Genomes Project 0.00399; ExAC 0.00670; gnomAD exomes 0.00704 and 0.00882; gnomAD 0.00767 and 0.00773; TOPMed 0.00795; ESP Exome Variant Server 0.00946.
gnomAD v4.1: 14,079 of 1,614,160 alleles (0.87%); highest among the groups gnomAD compares: Middle Eastern, 1.4%; 81 homozygotes.

Submissions (3):

CeGaT Center for Human Genetics Tuebingen
Classification: Likely benign. Last evaluated: 2023-03-01. Review status: criteria provided, single submitter. Criteria: CeGaT Center For Human Genetics Tuebingen Variant Classification Criteria Version 2. Collection method: clinical testing. Allele origin: germline. Affected: yes. Observed: 1 variant allele.
Comment: TLR5: BP4, BS2

Genomic Diagnostic Laboratory, Division of Genomic Diagnostics, Children's Hospital of Philadelphia
Classification: Benign. Last evaluated: 2015-07-30. Review status: criteria provided, single submitter. Criteria: DGD Variant Analysis Guidelines. Collection method: clinical testing. Allele origin: unknown.

Breakthrough Genomics
Classification: Benign. Review status: criteria provided, single submitter. Criteria: ACMG Guidelines, 2015. Collection method: not provided. Allele origin: germline. Inheritance: Autosomal dominant inheritance. Affected: yes.

NM_003268.6(TLR5):c.2537A>G (p.Asp846Gly)

Gene: TLR5 (toll like receptor 5; minus strand). Cytogenetic location: 1q41.
Variant type: single nucleotide variant.
Coding change: c.2537A>G on transcript NM_003268.6 (MANE Select); coding-DNA position 2537, A replaced by G.
Protein change: p.Asp846Gly; replaces aspartic acid 846 with glycine.
Molecular consequence: missense variant.
Genome position (GRCh38, 1-based): chr1:223,110,495, T>C on the plus strand (A>G on the coding strand, the complement: TLR5 is on the minus strand). VCF-style: chr1-223110495-T-C. GRCh37 (hg19) VCF-style: chr1-223283837-T-C.
Other names: short protein forms D846G.
Identifiers: ClinVar variation 252619 (VCV000252619.27), dbSNP rs5744177, ClinGen allele CA1409639.